The following is an entry in ClinVar:

NC_012920.1(MT-ND2):m.5311T>C

Gene: MT-ND2 (mitochondrially encoded NADH dehydrogenase 2; plus strand).
Variant type: single nucleotide variant.
Genome position: chrM-5311-T-C.
Identifiers: ClinVar variation 692575 (VCV000692575.1), dbSNP rs1603219892, ClinGen allele CA414779781.

ClinVar aggregate classification (germline): Uncertain significance (1 of 4 stars; one submission).

Conditions:
Leigh syndrome (NULS). Also called: Leigh's necrotizing encephalopathy; Leigh's disease; Leigh Syndrome (mtDNA deletion); Leigh Disease; Subacute necrotizing encephalopathy; Necrotizing encephalopathy infantile subacute of Leigh. Identifiers: Orphanet 506, MedGen C2931891, MONDO:0009723, OMIM 256000.

Submission:

Wong Mito Lab, Molecular and Human Genetics, Baylor College of Medicine
Classification: Uncertain significance for Leigh syndrome. Last evaluated: 2019-10-17. Review status: criteria provided, single submitter. Criteria: Modified ACMG Guidelines (Unpublished). Collection method: clinical testing. Allele origin: germline.
Comment: The NC_012920.1:m.5311T>C (YP_003024027.1:p.Ile281Thr) variant in MTND2 gene is interpretated to be a Uncertain Significance variant based on the modified ACMG guidelines (unpublished). This variant meets the following evidence codes: PP4, PP6, BP4